The following is an entry in ClinVar:

NM_002335.4(LRP5):c.3595A>G (p.Thr1199Ala)

Gene: LRP5 (LDL receptor related protein 5; plus strand). Cytogenetic location: 11q13.2.
Variant type: single nucleotide variant.
Coding change: c.3595A>G on transcript NM_002335.4 (MANE Select); coding-DNA position 3595, A replaced by G.
Protein change: p.Thr1199Ala; replaces threonine 1199 with alanine.
Molecular consequence: missense variant.
Genome position (GRCh38, 1-based): chr11:68,426,145, A>G. VCF-style: chr11-68426145-A-G. GRCh37 (hg19) VCF-style: chr11-68193613-A-G.
Other names: c.1852A>G, p.Thr618Ala (NM_001291902.2); short protein forms T1199A, T618A.
Identifiers: ClinVar variation 4800465 (VCV004800465.1).
Genomic context (GRCh38, chr11:68,426,145, plus strand): 5'-CGTGTGGAGAAGACCACCGGGGACAAGCGGACTCGCATCCAGGGCCGTGTCGCCCACCTC[A>G]CTGGCATCCATGCAGTGGAGGAAGTCAGCCTGGAGGAGTTCTGTACGTGGGGGCTGGCAG-3'
Protein context (NP_002326.2, residues 1189-1209): TRIQGRVAHL[Thr1199Ala]GIHAVEEVSL

ClinVar aggregate classification (germline): Uncertain significance (1 of 4 stars; one submission).

Submission:

Labcorp Genetics (formerly Invitae), Labcorp
Classification: Uncertain significance. Last evaluated: 2025-09-02. Review status: criteria provided, single submitter. Criteria: Invitae Variant Classification Sherloc (09022015). Collection method: clinical testing. Allele origin: germline.
Comment: This sequence change replaces threonine, which is neutral and polar, with alanine, which is neutral and non-polar, at codon 1199 of the LRP5 protein (p.Thr1199Ala). This variant is not present in population databases (gnomAD no frequency). This variant has not been reported in the literature in individuals affected with LRP5-related conditions. Invitae Evidence Modeling of protein sequence and biophysical properties (such as structural, functional, and spatial information, amino acid conservation, physicochemical variation, residue mobility, and thermodynamic stability) indicates that this missense variant is not expected to disrupt LRP5 protein function with a negative predictive value of 95%. In summary, the available evidence is currently insufficient to determine the role of this variant in disease. Therefore, it has been classified as a Variant of Uncertain Significance.